The following is an entry in ClinVar:

ClinVar aggregate classification (germline): Uncertain significance (1 of 4 stars; one submission).

Conditions:
Hypertrophic cardiomyopathy. Also called: HYPERTROPHIC MYOCARDIOPATHY. Identifiers: Orphanet 217569, MedGen C0007194, MeSH D002312, MONDO:0005045, HP:0001639.

Submission:

Labcorp Genetics (formerly Invitae), Labcorp
Classification: Uncertain significance for Hypertrophic cardiomyopathy. Last evaluated: 2025-10-29. Review status: criteria provided, single submitter. Criteria: Invitae Variant Classification Sherloc (09022015). Collection method: clinical testing. Allele origin: germline.
Comment: This sequence change falls in intron 12 of the MYBPC3 gene. It does not directly change the encoded amino acid sequence of the MYBPC3 protein. This variant is not present in population databases (gnomAD no frequency). This variant has not been reported in the literature in individuals affected with MYBPC3-related conditions. Algorithms developed to predict the effect of sequence changes on RNA splicing suggest that this variant may disrupt the consensus splice site. In summary, the available evidence is currently insufficient to determine the role of this variant in disease. Therefore, it has been classified as a Variant of Uncertain Significance.

NM_000256.3(MYBPC3):c.1091-17T>A

Gene: MYBPC3 (myosin binding protein C3; minus strand). Cytogenetic location: 11p11.2.
Variant type: single nucleotide variant.
Coding change: c.1091-17T>A on transcript NM_000256.3 (MANE Select); 17 bases into the intron before coding-DNA position 1091, T replaced by A.
Molecular consequence: intron variant.
Genome position (GRCh38, 1-based): chr11:47,343,641, A>T on the plus strand (T>A on the coding strand, the complement: MYBPC3 is on the minus strand). VCF-style: chr11-47343641-A-T. GRCh37 (hg19) VCF-style: chr11-47365192-A-T.
Identifiers: ClinVar variation 4712259 (VCV004712259.1).